The following is an entry in ClinVar:

NM_000260.4(MYO7A):c.4640G>T (p.Gly1547Val)

Gene: MYO7A (myosin VIIA; plus strand). Cytogenetic location: 11q13.5.
Variant type: single nucleotide variant.
Coding change: c.4640G>T on transcript NM_000260.4 (MANE Select); coding-DNA position 4640, G replaced by T.
Protein change: p.Gly1547Val; replaces glycine 1547 with valine.
Molecular consequence: missense variant. On other transcripts: intron variant (2).
Genome position (GRCh38, 1-based): chr11:77,199,606, G>T. VCF-style: chr11-77199606-G-T. GRCh37 (hg19) VCF-style: chr11-76910651-G-T.
Other names: c.4536-43G>T (NM_001369365.1); c.4569-43G>T (NM_001127180.2); short protein forms G1547V.
Identifiers: ClinVar variation 2159560 (VCV002159560.4), dbSNP rs759398330, ClinGen allele CA6198505.

ClinVar aggregate classification (germline): Uncertain significance (1 of 4 stars; one submission).

Allele frequency attached by ClinVar (database versions not stated): gnomAD exomes 0.00001.
gnomAD v4.1: 4 of 1,599,008 alleles (0.00025%); highest among the groups gnomAD compares: Admixed American, 0.0052%; no homozygotes.

Submission:

Labcorp Genetics (formerly Invitae), Labcorp
Classification: Uncertain significance. Last evaluated: 2025-11-29. Review status: criteria provided, single submitter. Criteria: Invitae Variant Classification Sherloc (09022015). Collection method: clinical testing. Allele origin: germline.
Comment: This sequence change replaces glycine, which is neutral and non-polar, with valine, which is neutral and non-polar, at codon 1547 of the MYO7A protein (p.Gly1547Val). This variant is present in population databases (rs759398330, gnomAD 0.006%). This variant has not been reported in the literature in individuals affected with MYO7A-related conditions. ClinVar contains an entry for this variant (Variation ID: 2159560). Invitae Evidence Modeling of protein sequence and biophysical properties (such as structural, functional, and spatial information, amino acid conservation, physicochemical variation, residue mobility, and thermodynamic stability) indicates that this missense variant is not expected to disrupt MYO7A protein function with a negative predictive value of 95%. In summary, the available evidence is currently insufficient to determine the role of this variant in disease. Therefore, it has been classified as a Variant of Uncertain Significance.